The following is an entry in ClinVar:

ClinVar aggregate classification (germline): Uncertain significance (1 of 4 stars; one submission).

Conditions:
Muscle AMP deaminase deficiency (MMDD). Also called: Myoadenylate deaminase deficiency, myopathy due to; AMPD1 DEFICIENCY; Adenosine monophosphate deaminase 1 deficiency; AMP deaminase 1 deficiency; Adenosine Monophosphate Deaminase 1; ADENOSINE MONOPHOSPHATE DEAMINASE-1 DEFICIENCY, MYOPATHY DUE TO. Identifiers: Orphanet 45, MedGen C3714933, MONDO:0014220, OMIM 615511.

Allele frequency attached by ClinVar (database versions not stated): gnomAD exomes below 0.00001; ExAC 0.00001; TOPMed 0.00001.
gnomAD v4.1: 2 of 1,614,186 alleles (0.00012%); highest among the groups gnomAD compares: Admixed American, 0.0033%; no homozygotes.

Submission:

Labcorp Genetics (formerly Invitae), Labcorp
Classification: Uncertain significance for Muscle AMP deaminase deficiency. Last evaluated: 2022-04-25. Review status: criteria provided, single submitter. Criteria: Invitae Variant Classification Sherloc (09022015). Collection method: clinical testing. Allele origin: germline.
Comment: This sequence change replaces aspartic acid, which is acidic and polar, with asparagine, which is neutral and polar, at codon 546 of the AMPD1 protein (p.Asp546Asn). This variant is present in population databases (rs765199972, gnomAD 0.003%). This variant has not been reported in the literature in individuals affected with AMPD1-related conditions. Algorithms developed to predict the effect of missense changes on protein structure and function are either unavailable or do not agree on the potential impact of this missense change (SIFT: "Tolerated"; PolyPhen-2: "Probably Damaging"; Align-GVGD: "Class C0"). In summary, the available evidence is currently insufficient to determine the role of this variant in disease. Therefore, it has been classified as a Variant of Uncertain Significance.

NM_000036.3(AMPD1):c.1537G>A (p.Asp513Asn)

Gene: AMPD1 (adenosine monophosphate deaminase 1; minus strand). Cytogenetic location: 1p13.2.
Variant type: single nucleotide variant.
Coding change: c.1537G>A on transcript NM_000036.3 (MANE Select); coding-DNA position 1537, G replaced by A.
Protein change: p.Asp513Asn; replaces aspartic acid 513 with asparagine.
Molecular consequence: missense variant.
Genome position (GRCh38, 1-based): chr1:114,675,672, C>T on the plus strand (G>A on the coding strand, the complement: AMPD1 is on the minus strand). VCF-style: chr1-114675672-C-T. GRCh37 (hg19) VCF-style: chr1-115218293-C-T.
Other names: c.1525G>A, p.Asp509Asn (NM_001172626.2); short protein forms D509N, D513N.
Identifiers: ClinVar variation 1980064 (VCV001980064.4), dbSNP rs765199972, ClinGen allele CA1020078.